The following is an entry in ClinVar:

ClinVar aggregate classification (germline): Uncertain significance (1 of 4 stars; one submission).

gnomAD v4.1: 1 of 1,603,450 alleles (0.000062%); no homozygotes.

Submission:

GeneDx
Classification: Uncertain significance. Last evaluated: 2026-01-24. Review status: criteria provided, single submitter. Criteria: GeneDx Variant Classification Process June 2021. Collection method: clinical testing. Allele origin: germline.
Comment: Not observed at significant frequency in large population cohorts (gnomAD); In silico analysis supports that this missense variant has a deleterious effect on protein structure/function; Has not been previously published as pathogenic or benign to our knowledge

NM_001393504.1(MAST3):c.2177T>A (p.Phe726Tyr)

Gene: MAST3 (microtubule associated serine/threonine kinase 3; plus strand). Cytogenetic location: 19p13.11.
Variant type: single nucleotide variant.
Coding change: c.2177T>A on transcript NM_001393504.1 (MANE Select); coding-DNA position 2177, T replaced by A.
Protein change: p.Phe726Tyr; replaces phenylalanine 726 with tyrosine.
Molecular consequence: missense variant.
Genome position (GRCh38, 1-based): chr19:18,139,096, T>A. VCF-style: chr19-18139096-T-A. GRCh37 (hg19) VCF-style: chr19-18249906-T-A.
Other names: c.2201T>A, p.Phe734Tyr (NM_001393501.1); c.2180T>A, p.Phe727Tyr (NM_001393502.1); c.2177T>A, p.Phe726Tyr (NM_001393503.1); c.2174T>A, p.Phe725Tyr (NM_001393505.1); c.2129T>A, p.Phe710Tyr (NM_001393506.1, NM_001393513.1); c.2156T>A, p.Phe719Tyr (NM_001393507.1); c.2111T>A, p.Phe704Tyr (NM_001393508.1, NM_001393516.1); c.2108T>A, p.Phe703Tyr (NM_001393509.1, NM_001393510.1, NM_001393512.1 and 2 more transcripts); and 4 more; short protein forms F688Y, F696Y, F697Y, F702Y, F703Y, F704Y, F710Y, F719Y.
Identifiers: ClinVar variation 3363578 (VCV003363578.2).